The following is an entry in ClinVar:

NM_152381.6(XIRP2):c.*1470G>C

Gene: XIRP2 (xin actin binding repeat containing 2; plus strand). Cytogenetic location: 2q24.3.
Variant type: single nucleotide variant.
Coding change: c.*1470G>C on transcript NM_152381.6 (MANE Select); 1470 bases downstream of the stop codon, G replaced by C.
Molecular consequence: 3 prime UTR variant. On other transcripts: missense variant (3).
Genome position (GRCh38, 1-based): chr2:167,259,287, G>C. VCF-style: chr2-167259287-G-C. GRCh37 (hg19) VCF-style: chr2-168115797-G-C.
Other names: NC_000002.11:g.168115797G>C; c.2741G>C, p.Arg914Thr (NM_001079810.4); c.2840G>C, p.Arg947Thr (NM_001199143.2); c.*1470G>C (NM_001199144.2); c.2075G>C, p.Arg692Thr (NM_001199145.2); short protein forms R692T, R914T, R947T.
Identifiers: ClinVar variation 3056584 (VCV003056584.3), dbSNP rs75758327, ClinGen allele CA1948616.
Genomic context (GRCh38, chr2:167,259,287, plus strand): 5'-ATGAAAACACAGGTTTTGATGCTCTGAGCCATGAATGTACAGCTAAGCCTTTGTTTCCCA[G>C]AGTGGAGGTGCAGTCAGAACAACTCACGGTGGAAGAGCAGATTAAAAGAAACAGGTGCTA-3'

ClinVar aggregate classification (germline): Benign (0 of 4 stars; one submission).

Conditions:
XIRP2-related disorder. Also called: XIRP2-related condition.

Allele frequency attached by ClinVar (database versions not stated): gnomAD exomes 0.07493; ExAC 0.07658; 1000 Genomes Project 0.09305; 1000 Genomes Project 30x 0.09525; TOPMed 0.09708; gnomAD 0.09872; ESP Exome Variant Server 0.10289.
gnomAD v4.1: 124,602 of 1,613,110 alleles (7.7%); highest among the groups gnomAD compares: African/African-American, 18%; 5,524 homozygotes.

Submissions (4):

PreventionGenetics, part of Exact Sciences
Classification: Benign for XIRP2-related condition. Last evaluated: 2019-11-15. Review status: no assertion criteria provided. Collection method: clinical testing. Allele origin: germline.
Comment: This variant is classified as benign based on ACMG/AMP sequence variant interpretation guidelines (Richards et al. 2015 PMID: 25741868, with internal and published modifications).

Dr. Peter K. Rogan Lab, Western University
No classification provided (evidence only). Condition: Thymoma. Review status: no classification provided. Collection method: in vitro. Allele origin: not applicable. Functional consequence: retained intron. Not counted in ClinVar's aggregate classification.

Dr. Peter K. Rogan Lab, Western University
No classification provided (evidence only). Condition: Uterine carcinosarcoma. Review status: no classification provided. Collection method: in vitro. Allele origin: not applicable. Functional consequence: retained intron. Not counted in ClinVar's aggregate classification.

Dr. Peter K. Rogan Lab, Western University
No classification provided (evidence only). Condition: Uterine carcinosarcoma. Review status: no classification provided. Collection method: in vitro. Allele origin: not applicable. Functional consequence: retained intron. Not counted in ClinVar's aggregate classification.